The following is an entry in ClinVar:

ClinVar aggregate classification (germline): Likely benign (0 of 4 stars; one submission).

Conditions:
MLLT10-related disorder. Also called: MLLT10-related condition.

Allele frequency attached by ClinVar (database versions not stated): TOPMed 0.00010; gnomAD 0.00017; gnomAD exomes 0.00025; ExAC 0.00068; 1000 Genomes Project 30x 0.00219; 1000 Genomes Project 0.00240.
gnomAD v4.1: 403 of 1,611,618 alleles (0.025%); highest among the groups gnomAD compares: South Asian, 0.36%; 2 homozygotes.

Submission:

PreventionGenetics, part of Exact Sciences
Classification: Likely benign for MLLT10-related condition. Last evaluated: 2019-04-09. Review status: no assertion criteria provided. Collection method: clinical testing. Allele origin: germline.
Comment: This variant is classified as likely benign based on ACMG/AMP sequence variant interpretation guidelines (Richards et al. 2015 PMID: 25741868, with internal and published modifications).

NM_001195626.3(MLLT10):c.705T>C (p.Tyr235=)

Gene: MLLT10 (MLLT10 histone lysine methyltransferase DOT1L cofactor; plus strand). Cytogenetic location: 10p12.31.
Variant type: single nucleotide variant.
Coding change: c.705T>C on transcript NM_001195626.3 (MANE Select); coding-DNA position 705, T replaced by C.
Protein change: p.Tyr235=; no amino-acid change (tyrosine 235 retained).
Molecular consequence: synonymous variant. On other transcripts: 5 prime UTR variant (1), non-coding transcript variant (1).
Genome position (GRCh38, 1-based): chr10:21,651,678, T>C. VCF-style: chr10-21651678-T-C. GRCh37 (hg19) VCF-style: chr10-21940607-T-C.
Other names: c.-167T>C (NM_001324297.2); c.705T>C, p.Tyr235= (NM_004641.4).
Identifiers: ClinVar variation 3037162 (VCV003037162.2), dbSNP rs370897151, ClinGen allele CA5434607.
Genomic context (GRCh38, chr10:21,651,678, plus strand): 5'-CATATATGGGGTTATAGTTAAATTAAAATTGGATTTTACTTATATTCGTTTTTAGAAATA[T>C]AAAGAGAAGGACAAACACAAACAGAAACACAAGAAGCAGCCAGAACCATCACCTGCATTG-3'
Protein context (NP_001182555.1, residues 225-245): DKHHEKEKKK[Tyr235=]KEKDKHKQKH